The following is an entry in ClinVar:

NM_020376.4(PNPLA2):c.564G>A (p.Ser188=)

Gene: PNPLA2 (patatin like domain 2, triacylglycerol lipase; plus strand). Cytogenetic location: 11p15.5.
Variant type: single nucleotide variant.
Coding change: c.564G>A on transcript NM_020376.4 (MANE Select); coding-DNA position 564, G replaced by A.
Protein change: p.Ser188=; no amino-acid change (serine 188 retained).
Molecular consequence: synonymous variant.
Genome position (GRCh38, 1-based): chr11:822,474, G>A. VCF-style: chr11-822474-G-A. GRCh37 (hg19) VCF-style: chr11-822474-G-A.
Identifiers: ClinVar variation 861826 (VCV000861826.1), dbSNP rs149864883, ClinGen allele CA5791052.

ClinVar aggregate classification (germline): Uncertain significance (1 of 4 stars; one submission).

Conditions:
Neutral lipid storage myopathy (NLSDM). Also called: NEUTRAL LIPID STORAGE DISEASE WITHOUT ICHTHYOSIS. Identifiers: Orphanet 98908, MedGen C1853136, MONDO:0012545, OMIM 610717.

Allele frequency attached by ClinVar (database versions not stated): gnomAD 0.00001; gnomAD exomes 0.00001 and 0.00002; TOPMed 0.00002; ExAC 0.00003; ESP Exome Variant Server 0.00015.
gnomAD v4.1: 19 of 1,613,952 alleles (0.0012%); highest among the groups gnomAD compares: Admixed American, 0.005%; no homozygotes.

Submission:

Labcorp Genetics (formerly Invitae), Labcorp
Classification: Uncertain significance for Neutral lipid storage disease with myopathy. Last evaluated: 2019-11-27. Review status: criteria provided, single submitter. Criteria: Invitae Variant Classification Sherloc (09022015). Collection method: clinical testing. Allele origin: germline.
Comment: This sequence change affects codon 188 of the PNPLA2 mRNA. It is a 'silent' change, meaning that it does not change the encoded amino acid sequence of the PNPLA2 protein. This variant is present in population databases (rs149864883, ExAC 0.006%). This variant has not been reported in the literature in individuals with PNPLA2-related conditions. Algorithms developed to predict the effect of sequence changes on RNA splicing suggest that this variant may create or strengthen a splice site, but this prediction has not been confirmed by published transcriptional studies. In summary, the available evidence is currently insufficient to determine the role of this variant in disease. Therefore, it has been classified as a Variant of Uncertain Significance.